The following is an entry in ClinVar:

NM_001365276.2(TNXB):c.2779+861A>C

Gene: TNXB (tenascin XB; minus strand). Cytogenetic location: 6p21.33.
Variant type: single nucleotide variant.
Coding change: c.2779+861A>C on transcript NM_001365276.2 (MANE Select); 861 bases into the intron after coding-DNA position 2779, A replaced by C.
Molecular consequence: intron variant.
Genome position (GRCh38, 1-based): chr6:32,087,924, T>G on the plus strand (A>C on the coding strand, the complement: TNXB is on the minus strand). VCF-style: chr6-32087924-T-G. GRCh37 (hg19) VCF-style: chr6-32055701-T-G.
Other names: c.2779+861A>C (NM_019105.8).
Identifiers: ClinVar variation 2578997 (VCV002578997.25), dbSNP rs548681132, ClinGen allele CA566695526.

ClinVar aggregate classification (germline): Likely benign (1 of 4 stars; one submission).

Submission:

CeGaT Center for Human Genetics Tuebingen
Classification: Likely benign. Last evaluated: 2023-07-01. Review status: criteria provided, single submitter. Criteria: CeGaT Center For Human Genetics Tuebingen Variant Classification Criteria Version 2. Collection method: clinical testing. Allele origin: germline. Affected: yes. Observed: 1 variant allele.
Comment: TNXB: BP4, BP7